The following is an entry in ClinVar:

ClinVar aggregate classification (germline): Uncertain significance (1 of 4 stars; one submission).

gnomAD v4.1: 17 of 1,597,642 alleles (0.0011%); highest among the groups gnomAD compares: Non-Finnish European, 0.0014%; no homozygotes.

Submission:

Women's Health and Genetics/Laboratory Corporation of America, LabCorp
Classification: Uncertain significance. Last evaluated: 2024-10-08. Review status: criteria provided, single submitter. Criteria: LabCorp Variant Classification Summary - May 2015. Collection method: clinical testing. Allele origin: germline.
Comment: Variant summary: IDUA c.659G>A (p.Gly220Asp) results in a non-conservative amino acid change located in the Glycosyl hydrolases family 39, N-terminal catalytic domain (IPR049166) of the encoded protein sequence. Five of five in-silico tools predict a damaging effect of the variant on protein function. The variant allele was found at a frequency of 4.6e-06 in 219348 control chromosomes. The available data on variant occurrences in the general population are insufficient to allow any conclusion about variant significance. c.659G>A has been reported in the literature in the compound heterozygous state in an individual affected with Mucopolysaccharidosis Type 1 (Ghosh_2017). These data do not allow any conclusion about variant significance. To our knowledge, no experimental evidence demonstrating an impact on protein function has been reported. The following publication has been ascertained in the context of this evaluation (PMID: 28752568). No submitters have cited clinical-significance assessments for this variant to ClinVar. Based on the evidence outlined above, the variant was classified as uncertain significance.

Literature cited by the submitters: PubMed 28752568.

NM_000203.5(IDUA):c.659G>A (p.Gly220Asp)

Gene: IDUA (alpha-L-iduronidase; plus strand). Cytogenetic location: 4p16.3.
Variant type: single nucleotide variant.
Coding change: c.659G>A on transcript NM_000203.5 (MANE Select); coding-DNA position 659, G replaced by A.
Protein change: p.Gly220Asp; replaces glycine 220 with aspartic acid.
Molecular consequence: missense variant. On other transcripts: non-coding transcript variant (1).
Genome position (GRCh38, 1-based): chr4:1,001,748, G>A. VCF-style: chr4-1001748-G-A. GRCh37 (hg19) VCF-style: chr4-995536-G-A.
Other names: c.263G>A, p.Gly88Asp (NM_001363576.1); short protein forms G220D, G88D.
Identifiers: ClinVar variation 3384858 (VCV003384858.1).